The following is an entry in ClinVar:

ClinVar aggregate classification (germline): Uncertain significance. Review status: criteria provided, multiple submitters, no conflicts (2 of 4 stars). 2 submissions from 2 submitters: Uncertain significance (2). Last evaluated 2025-12-15.

Conditions:
Inborn genetic diseases. Identifiers: MedGen C0950123, MeSH D030342.
Epidermolysis bullosa simplex with nail dystrophy (EBS5D). Identifiers: MedGen C4225309, MONDO:0014661, OMIM 616487.
Epidermolysis bullosa simplex, Ogna type (EBS5A). Also called: EPIDERMOLYSIS BULLOSA SIMPLEX 5A, OGNA TYPE; Pidermolysis bullosa simplex 5A, Ogna type. Identifiers: Orphanet 79401, MedGen C0432317, MONDO:0007555, OMIM 131950.
Autosomal recessive limb-girdle muscular dystrophy type 2Q (LGMDR17). Also called: MUSCULAR DYSTROPHY, LIMB-GIRDLE, AUTOSOMAL RECESSIVE 17. Identifiers: Orphanet 254361, MedGen C3150989, MONDO:0013390, OMIM 613723.
Epidermolysis bullosa simplex 5B, with muscular dystrophy (EBS5B). Also called: EPIDERMOLYSIS BULLOSA SIMPLEX AND LIMB-GIRDLE MUSCULAR DYSTROPHY; Epidermolysis bullosa simplex with muscular dystrophy. Identifiers: Orphanet 257, MedGen C2931072, MONDO:0009181, OMIM 226670.
Epidermolysis bullosa simplex 5C, with pyloric atresia (EBS5C). Also called: PLEC1-Related Epidermolysis Bullosa with Pyloric Atresia; PLEC-Related Epidermolysis Bullosa with Pyloric Atresia; Epidermolysis bullosa simplex with pyloric atresia. Identifiers: Orphanet 158684, MedGen C2677349, MONDO:0012807, OMIM 612138.

gnomAD v4.1: 5 of 1,598,874 alleles (0.00031%); highest among the groups gnomAD compares: Non-Finnish European, 0.00042%; no homozygotes.

Submissions (2):

Labcorp Genetics (formerly Invitae), Labcorp
Classification: Uncertain significance for Autosomal recessive limb-girdle muscular dystrophy type 2Q; Epidermolysis bullosa simplex, Ogna type; Epidermolysis bullosa simplex with nail dystrophy; Epidermolysis bullosa simplex 5C, with pyloric atresia; Epidermolysis bullosa simplex 5B, with muscular dystrophy. Last evaluated: 2025-12-15. Review status: criteria provided, single submitter. Criteria: Invitae Variant Classification Sherloc (09022015). Collection method: clinical testing. Allele origin: germline.
Comment: This sequence change replaces glutamic acid, which is acidic and polar, with aspartic acid, which is acidic and polar, at codon 1934 of the PLEC protein (p.Glu1934Asp). This variant is present in population databases (no rsID available, gnomAD 0.01%). This variant has not been reported in the literature in individuals affected with PLEC-related conditions. ClinVar contains an entry for this variant (Variation ID: 3761468). Experimental studies and prediction algorithms are not available or were not evaluated, and the functional significance of this variant is currently unknown. In summary, the available evidence is currently insufficient to determine the role of this variant in disease. Therefore, it has been classified as a Variant of Uncertain Significance.

Ambry Genetics
Classification: Uncertain significance for Inborn genetic diseases. Last evaluated: 2025-08-25. Review status: criteria provided, single submitter. Criteria: Ambry Variant Classification Scheme 2023. Collection method: clinical testing. Allele origin: germline.

NM_201384.3(PLEC):c.5721G>C (p.Glu1907Asp)

Gene: PLEC (plectin; minus strand). Cytogenetic location: 8q24.3.
Variant type: single nucleotide variant.
Coding change: c.5721G>C on transcript NM_201384.3 (MANE Select); coding-DNA position 5721, G replaced by C.
Protein change: p.Glu1907Asp; replaces glutamic acid 1907 with aspartic acid.
Molecular consequence: missense variant. On other transcripts: intron variant (1).
Genome position (GRCh38, 1-based): chr8:143,924,208, C>G on the plus strand (G>C on the coding strand, the complement: PLEC is on the minus strand). VCF-style: chr8-143924208-C-G. GRCh37 (hg19) VCF-style: chr8-144998376-C-G.
Other names: c.5802G>C, p.Glu1934Asp (NM_000445.5); c.5679G>C, p.Glu1893Asp (NM_201378.4); c.5655G>C, p.Glu1885Asp (NM_201379.3); c.6132G>C, p.Glu2044Asp (NM_201380.4); c.5625G>C, p.Glu1875Asp (NM_201381.3); c.5721G>C, p.Glu1907Asp (NM_201382.4); c.5733G>C, p.Glu1911Asp (NM_201383.3); c.4126-1813G>C (NM_001410941.1); and 1 more; short protein forms E1875D, E1885D, E1893D, E1907D, E1911D, E1934D, E2044D.
Identifiers: ClinVar variation 3761468 (VCV003761468.3).